The following is an entry in ClinVar:

ClinVar aggregate classification (germline): Conflicting classifications of pathogenicity. Review status: criteria provided, conflicting classifications (1 of 4 stars). 6 submissions from 6 submitters: Uncertain significance (4); Likely benign (1). 1 of the submissions does not count toward it. Last evaluated 2026-03-11.

Conditions:
LYST-related disorder. Also called: LYST-related condition.
Inborn genetic diseases. Identifiers: MedGen C0950123, MeSH D030342.
Chédiak-Higashi syndrome (CHS). Also called: Chediak-Higashi Syndrome. Identifiers: Orphanet 167, MedGen C0007965, MONDO:0008963, OMIM 214500.

Allele frequency attached by ClinVar (database versions not stated): ESP Exome Variant Server 0.00015; gnomAD exomes 0.00015 and 0.00014; ExAC 0.00018; TOPMed 0.00011; gnomAD 0.00013 and 0.00014.
gnomAD v4.1: 230 of 1,613,874 alleles (0.014%); highest among the groups gnomAD compares: South Asian, 0.018%; 1 homozygote.

Submissions (6):

Women's Health and Genetics/Laboratory Corporation of America, LabCorp
Classification: Uncertain significance. Last evaluated: 2026-03-11. Review status: criteria provided, single submitter. Criteria: LabCorp Variant Classification Summary - May 2015. Collection method: clinical testing. Allele origin: germline.
Comment: Variant summary: LYST c.6388G>A (p.Asp2130Asn) results in a conservative amino acid change in the encoded protein sequence. Algorithms developed to predict the effect of missense changes on protein structure and function all suggest that this variant is likely to be tolerated. The variant allele was found at a frequency of 0.00015 in 249658 control chromosomes, predominantly at a frequency of 0.00025 within the Non-Finnish European subpopulation in the gnomAD database, including 1 homozygote. This frequency is not significantly higher than estimated for disease-causing variants in LYST, allowing no conclusion about variant significance. To our knowledge, no occurrence of c.6388G>A in individuals affected with LYST-related conditions and no experimental evidence demonstrating its impact on protein function have been reported. ClinVar contains an entry for this variant (Variation ID: 426696). Based on the evidence outlined above, the variant was classified as VUS-possibly benign.

Labcorp Genetics (formerly Invitae), Labcorp
Classification: Likely benign for Chédiak-Higashi syndrome. Last evaluated: 2026-01-26. Review status: criteria provided, single submitter. Criteria: Invitae Variant Classification Sherloc (09022015). Collection method: clinical testing. Allele origin: germline.

Ambry Genetics
Classification: Uncertain significance for Inborn genetic diseases. Last evaluated: 2022-08-11. Review status: criteria provided, single submitter. Criteria: Ambry Variant Classification Scheme 2023. Collection method: clinical testing. Allele origin: germline.

Revvity Omics, Revvity
Classification: Uncertain significance for Chédiak-Higashi syndrome. Last evaluated: 2019-03-24. Review status: criteria provided, single submitter. Criteria: ACMG Guidelines, 2015. Collection method: clinical testing. Allele origin: germline.

GeneDx
Classification: Uncertain significance. Last evaluated: 2017-04-07. Review status: criteria provided, single submitter. Criteria: GeneDx Variant Classification (06012015). Collection method: clinical testing. Allele origin: germline. Affected: yes.
Comment: The D2130N variant in the LYST gene has not been reported previously as a pathogenic variant, nor as a benign variant, to our knowledge. The D2130N variant is observed in 19/66708 (0.028%) alleles from individuals of European background, in the ExAC dataset (Lek et al., 2016). The D2130N variant is a semi-conservative amino acid substitution, which may impact secondary protein structure as these residues differ in some properties. This substitution occurs at a position that is not conserved. In silico analysis is inconsistent in its predictions as to whether or not the variant is damaging to the protein structure/function. We interpret D2130N as a variant of uncertain significance.

PreventionGenetics, part of Exact Sciences
Classification: Uncertain significance for LYST-related condition. Last evaluated: 2023-12-14. Review status: no assertion criteria provided. Collection method: clinical testing. Allele origin: germline. Not counted in ClinVar's aggregate classification.
Comment: The LYST c.6388G>A variant is predicted to result in the amino acid substitution p.Asp2130Asn. To our knowledge, this variant has not been reported in the literature. This variant is reported in 0.024% of alleles in individuals of European (Non-Finnish) descent in gnomAD. At this time, the clinical significance of this variant is uncertain due to the absence of conclusive functional and genetic evidence.

NM_000081.4(LYST):c.6388G>A (p.Asp2130Asn)

Gene: LYST (lysosomal trafficking regulator; minus strand). Cytogenetic location: 1q42.3.
Variant type: single nucleotide variant.
Coding change: c.6388G>A on transcript NM_000081.4 (MANE Select); coding-DNA position 6388, G replaced by A.
Protein change: p.Asp2130Asn; replaces aspartic acid 2130 with asparagine.
Molecular consequence: missense variant.
Genome position (GRCh38, 1-based): chr1:235,759,465, C>T on the plus strand (G>A on the coding strand, the complement: LYST is on the minus strand). VCF-style: chr1-235759465-C-T. GRCh37 (hg19) VCF-style: chr1-235922765-C-T.
Other names: c.6388G>A, p.Asp2130Asn (NM_001301365.1); short protein forms D2130N.
Identifiers: ClinVar variation 426696 (VCV000426696.19), dbSNP rs148371004, ClinGen allele CA1466382.
Genomic context (GRCh38, chr1:235,759,465, plus strand): 5'-AAGAATTTTGTTTCTTTGATTGGGTGGCAACATAAGTATCTGCAATATTTTGTAACCTGT[C>T]GATACTACAACCCAAACTTCCAGTCAGTTTTTGTGATTGCGTTAGTAGTGAAGAAGTAGG-3'
Protein context (NP_000072.2, residues 2120-2140): KLTGSLGCSI[Asp2130Asn]RLQNIADTYV